The following is an entry in ClinVar:

NM_000492.4(CFTR):c.3158C>T (p.Thr1053Ile)

Genes: CFTR (CF transmembrane conductance regulator; plus strand), CFTR-AS2 (CFTR antisense RNA 2; minus strand), LOC111674472 (DNase I hypersensitive sites in introns 16 and 17a of CFTR; plus strand). Cytogenetic location: 7q31.2.
Variant type: single nucleotide variant.
Coding change: c.3158C>T on transcript NM_000492.4 (MANE Select); coding-DNA position 3158, C replaced by T.
Protein change: p.Thr1053Ile; replaces threonine 1053 with isoleucine.
Molecular consequence: missense variant.
Genome position (GRCh38, 1-based): chr7:117,611,599, C>T. VCF-style: chr7-117611599-C-T. GRCh37 (hg19) VCF-style: chr7-117251653-C-T.
Other names: short protein forms T1053I.
Identifiers: ClinVar variation 53666 (VCV000053666.32), dbSNP rs140883683, ClinGen allele CA327068.
Genomic context (GRCh38, chr7:117,611,599, plus strand): 5'-GTTTATGTTATTTGCAATGTTTTCTATGGAAATATTTCACAGGCAGGAGTCCAATTTTCA[C>T]TCATCTTGTTACAAGCTTAAAAGGACTATGGACACTTCGTGCCTTCGGACGGCAGCCTTA-3'
Protein context (NP_000483.3, residues 1043-1063): LESEGRSPIF[Thr1053Ile]HLVTSLKGLW

ClinVar aggregate classification (germline): Conflicting classifications of pathogenicity. Review status: criteria provided, conflicting classifications (1 of 4 stars). 10 submissions from 10 submitters: Likely pathogenic (1); Uncertain significance (7); Likely benign (1). 1 of the submissions does not count toward it. Last evaluated 2025-12-16.

Conditions:
CFTR-related disorder (CFTR-RD). Also called: CFTR-related condition; CFTR-related disorders. Identifiers: MedGen C5924204, MONDO:7770004.
Cystic fibrosis (CF). Also called: MUCOVISCIDOSIS. Identifiers: Orphanet 586, MedGen C0010674, MONDO:0009061, OMIM 219700. Disease mechanism: loss of function.
Bronchiectasis with or without elevated sweat chloride 1 (BESC1). Also called: Cystic Fibrosis-Like Syndrome. Identifiers: Orphanet 60033, MedGen C2749757, MONDO:0008887, OMIM 211400.

Allele frequency attached by ClinVar (database versions not stated): ExAC 0.00001; gnomAD exomes 0.00001; TOPMed 0.00002; ESP Exome Variant Server 0.00008.
gnomAD v4.1: 39 of 1,610,028 alleles (0.0024%); highest among the groups gnomAD compares: Non-Finnish European, 0.0031%; no homozygotes.

Submissions (10):

Women's Health and Genetics/Laboratory Corporation of America, LabCorp
Classification: Uncertain significance. Last evaluated: 2025-12-16. Review status: criteria provided, single submitter. Criteria: LabCorp Variant Classification Summary - May 2015. Collection method: clinical testing. Allele origin: germline.
Comment: Variant summary: CFTR c.3158C>T (p.Thr1053Ile) results in a non-conservative amino acid change located in the ABC transporter type 1, transmembrane domain (IPR011527) of the encoded protein sequence. Five of five in-silico tools predict a damaging effect of the variant on protein function. The variant allele was found at a frequency of 8e-06 in 250422 control chromosomes (gnomAD). The available data on variant occurrences in the general population are insufficient to allow any conclusion about variant significance. c.3158C>T has been reported in the literature in individuals, predominantly found to co-occur in cis with the 5T allele, along with two newborns (no CF detected) that carry the variant in trans with deltaF508 (Claustres_2000, Groman_2002, Sobczynska-Tomaszewska_2013). However, it is unclear whether the variant is a considered a complex allele with 5T. These reports do not provide unequivocal conclusions about association of the variant with Chronic Pancreatitis Risk. At least two functional study reports experimental evidence evaluating an impact on protein function (Raraigh_2018, Bihler_2024). The most pronounced variant effect resulted in approximately (Gt channel conductance) 85% of normal chloride channel conductance relative to wild type (Bihler_2024). The following publications have been ascertained in the context of this evaluation (PMID: 11504857, 10923036, 20059485, 12167682, 25735457, 29805046, 26708955, 22892530, 38388235). ClinVar contains an entry for this variant (Variation ID: 53666). Based on the evidence outlined above, the variant was classified as uncertain significance.

Ambry Genetics
Classification: Uncertain significance for Cystic fibrosis. Last evaluated: 2025-10-14. Review status: criteria provided, single submitter. Criteria: Ambry Variant Classification Scheme 2023. Collection method: clinical testing. Allele origin: germline.
Comment: The p.T1053I variant (also known as c.3158C>T), located in coding exon 20 of the CFTR gene, results from a C to T substitution at nucleotide position 3158. The threonine at codon 1053 is replaced by isoleucine, an amino acid with similar properties. In another study, this variant was observed in conjunction with p.F508del in two unrelated newborns who had positive immunoreactive trypsin screening; the phase of these CFTR alterations is unknown and further clinical evaluation determined they were not affected with classic cystic fibrosis (Sobczyska-Tomaszewska A et al. Eur. J. Hum. Genet., 2013 Apr;21:391-6). This amino acid position is not well conserved in available vertebrate species. In addition, this alteration is predicted to be deleterious by in silico analysis. Based on available evidence to date, the clinical significance of this alteration remains unclear.

Johns Hopkins Genomics, Johns Hopkins University
Classification: Likely benign for Cystic fibrosis. Last evaluated: 2025-07-11. Review status: criteria provided, single submitter. Criteria: ACMG Guidelines, 2015. Collection method: clinical testing. Allele origin: germline.
Comment: This variant is classified as likely benign (PM2, BS3, BP6).

Blueprint Genetics
Classification: Uncertain significance. Last evaluated: 2024-10-25. Review status: criteria provided, single submitter. Criteria: ACMG Guidelines, 2015. Collection method: clinical testing. Allele origin: germline.

Labcorp Genetics (formerly Invitae), Labcorp
Classification: Uncertain significance for Cystic fibrosis. Last evaluated: 2024-03-05. Review status: criteria provided, single submitter. Criteria: Invitae Variant Classification Sherloc (09022015). Collection method: clinical testing. Allele origin: germline.
Comment: This sequence change replaces threonine, which is neutral and polar, with isoleucine, which is neutral and non-polar, at codon 1053 of the CFTR protein (p.Thr1053Ile). This variant is present in population databases (rs140883683, gnomAD 0.002%). This variant has been observed on the opposite chromosome (in trans) from a pathogenic CFTR variant in two individuals who were not confirmed to have cystic fibrosis (CF) (PMID: 22892530). It was also found in individuals affected with nonclassic CF and congenital bilateral absence of the vas deferens (CBAVD), but further analysis revealed that the c.3158C>T missense substitution was on the same chromosome as the pathogenic 5T allele in both patients (PMID: 12167682, 10923036). These findings suggest that this missense variant was not a contributory cause of disease in these patients. ClinVar contains an entry for this variant (Variation ID: 53666). Advanced modeling of protein sequence and biophysical properties (such as structural, functional, and spatial information, amino acid conservation, physicochemical variation, residue mobility, and thermodynamic stability) performed at Invitae indicates that this missense variant is expected to disrupt CFTR protein function with a positive predictive value of 80%. Experimental studies have shown that this missense change affects CFTR function (PMID: 29805046). In summary, the available evidence is currently insufficient to determine the role of this variant in disease. Therefore, it has been classified as a Variant of Uncertain Significance.

Baylor Genetics
Classification: Likely pathogenic for Bronchiectasis with or without elevated sweat chloride 1. Last evaluated: 2024-01-24. Review status: criteria provided, single submitter. Criteria: ACMG Guidelines, 2015. Collection method: clinical testing. Allele origin: unknown.

ARUP Laboratories, Molecular Genetics and Genomics, ARUP Laboratories
Classification: Uncertain significance. Last evaluated: 2023-12-12. Review status: criteria provided, single submitter. Criteria: ARUP Molecular Germline Variant Investigation Process 2024. Collection method: clinical testing. Allele origin: germline.
Comment: The CFTR c.3158C>T; p.Thr1053Ile variant (rs140883683) has been reported in individuals affected with atypical cystic fibrosis (such as congenital absence of vas deferens), in-trans with the p.Phe508del variant (Groman 2002, SickKids CFTR database). It has also been reported in-cis with the 5T allele in multiple individuals (Claustres 2000, Groman 2002, SickKids CFTR database), and not causative of classic cystic fibrosis when found in-trans with a severe pathogenic CFTR variant (Sobczynska-Tomaszewska 2013). The variant is listed in ClinVar (Variation ID: 53666), and is only observed on two alleles in the Genome Aggregation Database (v2.1.1), indicating it is not a common polymorphism. Computational analyses predict that this variant is deleterious (REVEL: 0.899). While available information suggests this variant may be part of a complex variant with the 5T allele, it is uncertain whether this is always the case. Therefore, the clinical significance of the p.Thr1053Ile variant is uncertain at this time. References: Link to SickKids CFTR database: Claustres M et al. Spectrum of CFTR mutations in cystic fibrosis and in congenital absence of the vas deferens in France. Hum Mutat. 2000; 16(2):143-56. PMID: 10923036. Groman J et al. Variant cystic fibrosis phenotypes in the absence of CFTR mutations. N Engl J Med. 2002; 347(6):401-7. PMID: 12167682. Raraigh KS et al. Functional Assays Are Essential for Interpretation of Missense Variants Associated with Variable Expressivity. Am J Hum Genet. 2018 Jun 7;102(6):1062-1077. PMID: 29805046. Sobczynsk-Tomaszewska A et al. Newborn screening for cystic fibrosis: Polish 4 years' experience with CFTR sequencing strategy. Eur J Hum Genet. 2013; 21(4):391-6. PMID: 22892530.

Genome-Nilou Lab
Classification: Uncertain significance for Cystic fibrosis. Last evaluated: 2021-09-05. Review status: criteria provided, single submitter. Criteria: ACMG Guidelines, 2015. Collection method: clinical testing. Allele origin: germline. Affected: no.

Quest Diagnostics Nichols Institute San Juan Capistrano
Classification: Uncertain significance. Last evaluated: 2021-04-20. Review status: criteria provided, single submitter. Criteria: Quest Diagnostics criteria. Collection method: clinical testing. Allele origin: unknown.

Natera, Inc.
Classification: Uncertain significance for CFTR-related disorders. Last evaluated: 2018-10-29. Review status: no assertion criteria provided. Collection method: clinical testing. Allele origin: germline. Not counted in ClinVar's aggregate classification.

Literature cited by the submitters: PubMed 12167682 (cited by 5 submitters); PubMed 10923036 (cited by 5 submitters); PubMed 20059485 (cited by 3 submitters); PubMed 11504857 (cited by Women's Health and Genetics/Laboratory Corporation of America, LabCorp); PubMed 22892530 (cited by 5 submitters); PubMed 25735457 (cited by Women's Health and Genetics/Laboratory Corporation of America, LabCorp); PubMed 26708955 (cited by Women's Health and Genetics/Laboratory Corporation of America, LabCorp and Quest Diagnostics Nichols Institute San Juan Capistrano); PubMed 29805046 (cited by 4 submitters); PubMed 38388235 (cited by Women's Health and Genetics/Laboratory Corporation of America, LabCorp and Johns Hopkins Genomics, Johns Hopkins University).